The following is an entry in ClinVar:

NM_022455.5(NSD1):c.4636_4639del (p.Cys1546fs)

Gene: NSD1 (nuclear receptor binding SET domain protein 1; plus strand). Cytogenetic location: 5q35.3.
Variant type: Microsatellite.
Coding change: c.4636_4639del on transcript NM_022455.5 (MANE Select); coding-DNA positions 4636 to 4639, 4 bases deleted (TGTC; older notation c.4636_4639delTGTC).
Protein change: p.Cys1546fs; shifts the reading frame from cysteine 1546.
Molecular consequence: frameshift variant.
Genome position (GRCh38, 1-based): chr5:177,248,319-177,248,322, TGTC deleted; deleting any 4 consecutive bases within chr5:177,248,315-177,248,322 gives the same sequence; the c. name uses the placement nearest the transcript's 3' end. VCF-style (leftmost placement, unchanged base first): chr5-177248314-ATGTC-A. GRCh37 (hg19) VCF-style: chr5-176675315-ATGTC-A.
Other names: c.4636_4639delTGTC (NM_022455.4); c.3759_3762TGTC[1], p.Cys1255Argfs (NM_001365684.2, NM_001409306.1, NM_001409307.1 and 3 more transcripts); c.4632_4635TGTC[1], p.Cys1546Argfs (NM_001409301.1, NM_001409302.1, NM_001409303.1); c.4212_4215TGTC[1], p.Cys1406Argfs (NM_001409304.1); c.3879_3882TGTC[1], p.Cys1295Argfs (NM_001409305.1); short protein forms C1277fs, C1546fs.
Identifiers: ClinVar variation 432790 (VCV000432790.5), dbSNP rs1554197794, ClinGen allele CA645372423.
Genomic context (GRCh38, chr5:177,248,314, plus strand): 5'-GGATGCCTGCCTCTAAAAAAATGCAGGGTGAACGCGGTGGAGGAGCTGCACTCAAGGAGA[ATGTC>A]TGTCAGGTAGAGAAATGTTTGCCCACTTGTGTTTTCATTGCATGTTCATCTTTAAAGGGA-3'

ClinVar aggregate classification (germline): Pathogenic. Review status: criteria provided, multiple submitters, no conflicts (2 of 4 stars). 2 submissions from 2 submitters: Pathogenic (2). Last evaluated 2022-09-27.

Submissions (2):

Institute for Medical Genetics and Human Genetics, Charité - Universitätsmedizin Berlin
Classification: Pathogenic. Last evaluated: 2022-09-27. Review status: criteria provided, single submitter. Criteria: ACMG Guidelines, 2015. Collection method: clinical testing. Allele origin: germline. Inheritance: Autosomal dominant inheritance. Affected: yes. Observed: 1 heterozygote.

GeneDx
Classification: Pathogenic. Last evaluated: 2018-04-06. Review status: criteria provided, single submitter. Criteria: GeneDx Variant Classification (06012015). Collection method: clinical testing. Allele origin: germline. Affected: yes.
Comment: The c.4636_4639delTGTC variant in the NSD1 gene has not been reported previously as a pathogenic variant nor as a benign variant, to our knowledge. This variant causes a frameshift starting with codon Cysteine 1546, changes this amino acid to an Arginine residue, and creates a premature Stop codon at position 27 of the new reading frame, denoted p.Cys1546ArgfsX27. This variant is predicted to cause loss of normal protein function either through protein truncation or nonsense-mediated mRNA decay. The c.4636_4639delTGTC variant is not observed in large population cohorts (Lek et al., 2016; 1000 Genomes Consortium et al., 2015; Exome Variant Server). We interpret c.4636_4639delTGTC as a pathogenic variant.